The following is an entry in ClinVar:

ClinVar aggregate classification (germline): Uncertain significance (1 of 4 stars; one submission).

Allele frequency attached by ClinVar (database versions not stated): ExAC 0.00002; gnomAD 0.00002; gnomAD exomes 0.00002; TOPMed 0.00002; ESP Exome Variant Server 0.00008.
gnomAD v4.1: 28 of 1,613,984 alleles (0.0017%); highest among the groups gnomAD compares: South Asian, 0.0022%; no homozygotes.

Submission:

Labcorp Genetics (formerly Invitae), Labcorp
Classification: Uncertain significance. Last evaluated: 2024-12-24. Review status: criteria provided, single submitter. Criteria: Invitae Variant Classification Sherloc (09022015). Collection method: clinical testing. Allele origin: germline.
Comment: This sequence change falls in intron 36 of the MYH3 gene. It does not directly change the encoded amino acid sequence of the MYH3 protein. This variant is present in population databases (rs369350795, gnomAD 0.003%). This variant has not been reported in the literature in individuals affected with MYH3-related conditions. ClinVar contains an entry for this variant (Variation ID: 1902195). Algorithms developed to predict the effect of sequence changes on RNA splicing suggest that this variant may create or strengthen a splice site. In summary, the available evidence is currently insufficient to determine the role of this variant in disease. Therefore, it has been classified as a Variant of Uncertain Significance.

NM_002470.4(MYH3):c.5286+7C>T

Gene: MYH3 (myosin heavy chain 3; minus strand). Cytogenetic location: 17p13.1.
Variant type: single nucleotide variant.
Coding change: c.5286+7C>T on transcript NM_002470.4 (MANE Select); 7 bases into the intron after coding-DNA position 5286, C replaced by T.
Molecular consequence: intron variant.
Genome position (GRCh38, 1-based): chr17:10,631,604, G>A on the plus strand (C>T on the coding strand, the complement: MYH3 is on the minus strand). VCF-style: chr17-10631604-G-A. GRCh37 (hg19) VCF-style: chr17-10534921-G-A.
Identifiers: ClinVar variation 1902195 (VCV001902195.5), dbSNP rs369350795, ClinGen allele CA8391989.